The following is an entry in ClinVar:

NM_152393.4(KLHL40):c.30G>A (p.Glu10=)

Gene: KLHL40 (kelch like family member 40; plus strand). Cytogenetic location: 3p22.1.
Variant type: single nucleotide variant.
Coding change: c.30G>A on transcript NM_152393.4 (MANE Select); coding-DNA position 30, G replaced by A.
Protein change: p.Glu10=; no amino-acid change (glutamic acid 10 retained).
Molecular consequence: synonymous variant.
Genome position (GRCh38, 1-based): chr3:42,685,648, G>A. VCF-style: chr3-42685648-G-A. GRCh37 (hg19) VCF-style: chr3-42727140-G-A.
Identifiers: ClinVar variation 4681362 (VCV004681362.5).

ClinVar aggregate classification (germline): Likely benign (1 of 4 stars; one submission).

gnomAD v4.1: 2 of 1,608,074 alleles (0.00012%); highest among the groups gnomAD compares: Middle Eastern, 0.017%; no homozygotes.

Submission:

CeGaT Center for Human Genetics Tuebingen
Classification: Likely benign. Last evaluated: 2025-11-01. Review status: criteria provided, single submitter. Criteria: CeGaT Center For Human Genetics Tuebingen Variant Classification Criteria Version 2. Collection method: clinical testing. Allele origin: germline. Affected: yes. Observed: 1 variant allele.
Comment: KLHL40: BP4, BP7